The following is an entry in ClinVar:

ClinVar aggregate classification (germline): Uncertain significance (1 of 4 stars; one submission).

Conditions:
Juvenile polyposis syndrome (JPS). Identifiers: Orphanet 2929, MedGen C0345893, MONDO:0017380, OMIM 174900.

gnomAD v4.1: 1 of 1,597,670 alleles (0.000063%); highest among the groups gnomAD compares: Non-Finnish European, 0.000086%; no homozygotes.

Submission:

Labcorp Genetics (formerly Invitae), Labcorp
Classification: Uncertain significance for Juvenile polyposis syndrome. Last evaluated: 2025-07-27. Review status: criteria provided, single submitter. Criteria: Invitae Variant Classification Sherloc (09022015). Collection method: clinical testing. Allele origin: germline.
Comment: This sequence change replaces asparagine, which is neutral and polar, with lysine, which is basic and polar, at codon 151 of the SMAD4 protein (p.Asn151Lys). This variant is not present in population databases (gnomAD no frequency). This variant has not been reported in the literature in individuals affected with SMAD4-related conditions. An algorithm developed to predict the effect of missense changes on protein structure and function (PolyPhen-2) suggests that this variant is likely to be tolerated. In summary, the available evidence is currently insufficient to determine the role of this variant in disease. Therefore, it has been classified as a Variant of Uncertain Significance.

NM_005359.6(SMAD4):c.453T>G (p.Asn151Lys)

Gene: SMAD4 (SMAD family member 4; plus strand). Cytogenetic location: 18q21.2.
Variant type: single nucleotide variant.
Coding change: c.453T>G on transcript NM_005359.6 (MANE Select); coding-DNA position 453, T replaced by G.
Protein change: p.Asn151Lys; replaces asparagine 151 with lysine.
Molecular consequence: missense variant. On other transcripts: non-coding transcript variant (2).
Genome position (GRCh38, 1-based): chr18:51,049,323, T>G. VCF-style: chr18-51049323-T-G. GRCh37 (hg19) VCF-style: chr18-48575693-T-G.
Other names: c.453T>G, p.Asn151Lys (NM_001407041.1, NM_001407042.1, NM_001407043.1); short protein forms N151K.
Identifiers: ClinVar variation 4724068 (VCV004724068.1).